The following is an entry in ClinVar:

NM_002878.4(RAD51D):c.278T>G (p.Leu93Arg)

Genes: RAD51D (RAD51 paralog D; minus strand), RAD51L3-RFFL (RAD51L3-RFFL readthrough; minus strand). Cytogenetic location: 17q12.
Variant type: single nucleotide variant.
Coding change: c.278T>G on transcript NM_002878.4 (MANE Select); coding-DNA position 278, T replaced by G.
Protein change: p.Leu93Arg; replaces leucine 93 with arginine.
Molecular consequence: missense variant. On other transcripts: non-coding transcript variant (2), intron variant (1).
Genome position (GRCh38, 1-based): chr17:35,107,433, A>C on the plus strand (T>G on the coding strand, the complement: RAD51D is on the minus strand). VCF-style: chr17-35107433-A-C. GRCh37 (hg19) VCF-style: chr17-33434452-A-C.
Other names: c.338T>G, p.Leu113Arg (NM_001142571.2); c.145-952T>G (NM_133629.3); short protein forms L113R, L93R.
Identifiers: ClinVar variation 926961 (VCV000926961.4), dbSNP rs768717805, ClinGen allele CA399090006.

ClinVar aggregate classification (germline): Uncertain significance (1 of 4 stars; one submission).

Conditions:
Hereditary cancer-predisposing syndrome. Also called: Neoplastic Syndromes, Hereditary; Tumor predisposition; Hereditary Cancer Syndrome; Hereditary neoplastic syndrome. Identifiers: Orphanet 140162, MedGen C0027672, MeSH D009386, MONDO:0015356.

Submission:

Color Diagnostics, LLC DBA Color Health
Classification: Uncertain significance for Hereditary cancer-predisposing syndrome. Last evaluated: 2024-03-06. Review status: criteria provided, single submitter. Criteria: ACMG Guidelines, 2015. Collection method: clinical testing. Allele origin: germline.
Comment: This missense variant replaces leucine with arginine at codon 93 of the RAD51D protein. Computational prediction suggests that this variant may have deleterious impact on protein structure and function (internally defined REVEL score threshold >= 0.7, PMID: 27666373). Splice site prediction tools suggest that this variant may not impact RNA splicing. To our knowledge, functional studies have not been performed for this variant. This variant has not been reported in individuals affected with hereditary cancer in the literature. This variant has not been identified in the general population by the Genome Aggregation Database (gnomAD). The available evidence is insufficient to determine the role of this variant in disease conclusively. Therefore, this variant is classified as a Variant of Uncertain Significance.